The following is an entry in ClinVar:

ClinVar aggregate classification (germline): Uncertain significance. Review status: criteria provided, multiple submitters, no conflicts (2 of 4 stars). 2 submissions from 2 submitters: Uncertain significance (2). Last evaluated 2025-12-19.

Conditions:
Neonatal diabetes mellitus with congenital hypothyroidism. Also called: NDH SYNDROME. Identifiers: Orphanet 79118, MedGen C1857775, MONDO:0012436, OMIM 610199.

Allele frequency attached by ClinVar (database versions not stated): ExAC 0.00012; gnomAD exomes 0.00014; ESP Exome Variant Server 0.00023.
gnomAD v4.1: 218 of 1,613,852 alleles (0.014%); highest among the groups gnomAD compares: Admixed American, 0.052%; no homozygotes.

Submissions (2):

Labcorp Genetics (formerly Invitae), Labcorp
Classification: Uncertain significance. Last evaluated: 2025-12-19. Review status: criteria provided, single submitter. Criteria: Invitae Variant Classification Sherloc (09022015). Collection method: clinical testing. Allele origin: germline.
Comment: This sequence change replaces serine, which is neutral and polar, with leucine, which is neutral and non-polar, at codon 724 of the GLIS3 protein (p.Ser724Leu). This variant is present in population databases (rs200265407, gnomAD 0.05%). This missense change has been observed in individual(s) with GLIS3-related conditions (PMID: 38051360). This variant is also known as c.2636C>T, p.S879L. ClinVar contains an entry for this variant (Variation ID: 1418150). An algorithm developed to predict the effect of missense changes on protein structure and function (PolyPhen-2) suggests that this variant is likely to be disruptive. Experimental studies have shown that this missense change affects GLIS3 function (PMID: 38051360). In summary, the available evidence is currently insufficient to determine the role of this variant in disease. Therefore, it has been classified as a Variant of Uncertain Significance.

Fulgent Genetics
Classification: Uncertain significance for Neonatal diabetes mellitus with congenital hypothyroidism. Last evaluated: 2024-03-06. Review status: criteria provided, single submitter. Criteria: ACMG Guidelines, 2015. Collection method: clinical testing. Allele origin: germline.

Literature cited by the submitters: PubMed 38051360 (cited by Labcorp Genetics (formerly Invitae), Labcorp).

NM_001042413.2(GLIS3):c.2636C>T (p.Ser879Leu)

Gene: GLIS3 (GLIS family zinc finger 3; minus strand). Cytogenetic location: 9p24.2.
Variant type: single nucleotide variant.
Coding change: c.2636C>T on transcript NM_001042413.2 (MANE Select); coding-DNA position 2636, C replaced by T.
Protein change: p.Ser879Leu; replaces serine 879 with leucine.
Molecular consequence: missense variant.
Genome position (GRCh38, 1-based): chr9:3,829,330, G>A on the plus strand (C>T on the coding strand, the complement: GLIS3 is on the minus strand). VCF-style: chr9-3829330-G-A. GRCh37 (hg19) VCF-style: chr9-3829330-G-A.
Other names: c.2171C>T, p.Ser724Leu (NM_152629.4); short protein forms S879L, S724L.
Identifiers: ClinVar variation 1418150 (VCV001418150.8), dbSNP rs200265407, ClinGen allele CA4967705.